The following is an entry in ClinVar:

NM_017780.4(CHD7):c.8879_8881dup (p.Glu2960_Ser2961insLys)

Gene: CHD7 (chromodomain helicase DNA binding protein 7; plus strand). Cytogenetic location: 8q12.2.
Variant type: Duplication.
Coding change: c.8879_8881dup on transcript NM_017780.4 (MANE Select); coding-DNA positions 8879 to 8881, 3 bases duplicated (AGA; older notation c.8879_8881dupAGA).
Protein change: p.Glu2960_Ser2961insLys.
Molecular consequence: inframe insertion.
Genome position (GRCh38, 1-based): chr8:60,865,818-60,865,820, AGA duplicated. VCF-style (leftmost placement, unchanged base first): chr8-60865817-G-GAGA. GRCh37 (hg19) VCF-style: chr8-61778376-G-GAGA.
Other names: c.2732_2734dup, p.Glu911_Ser912insLys (NM_001316690.1).
Identifiers: ClinVar variation 2962424 (VCV002962424.4), dbSNP rs1169400731, ClinGen allele CA582403635.

ClinVar aggregate classification (germline): Uncertain significance. Review status: criteria provided, multiple submitters, no conflicts (2 of 4 stars). 2 submissions from 2 submitters: Uncertain significance (2). Last evaluated 2024-03-28.

Conditions:
Hypogonadotropic hypogonadism 5 with or without anosmia (KAL5). Also called: HYPOGONADOTROPIC HYPOGONADISM 5 WITH ANOSMIA; HYPOGONADOTROPHIC HYPOGONADISM 5 WITHOUT ANOSMIA; CHD7-Related GnRH Deficiency (Kallmann Syndrome 5). Identifiers: Orphanet 478, MedGen C3552553, MONDO:0012880, OMIM 612370. Disease mechanism: loss of function.
CHARGE syndrome (CHARGE). Also called: Hittner Hirsch Kreh syndrome; CHARGE ASSOCIATION--COLOBOMA, HEART ANOMALY, CHOANAL ATRESIA, RETARDATION, GENITAL AND EAR ANOMALIES; Coloboma, heart anomaly, choanal atresia, retardation, genital and ear anomalies; CHARGE association; Hall-Hittner syndrome. Identifiers: Orphanet 138, MedGen C0265354, MONDO:0008965.

Allele frequency attached by ClinVar (database versions not stated): gnomAD exomes below 0.00001; TOPMed 0.00002; gnomAD 0.00003.

Submissions (2):

Fulgent Genetics
Classification: Uncertain significance for CHD7-related CHARGE syndrome; Hypogonadotropic hypogonadism 5 with or without anosmia. Last evaluated: 2024-03-28. Review status: criteria provided, single submitter. Criteria: ACMG Guidelines, 2015. Collection method: clinical testing. Allele origin: germline.

Labcorp Genetics (formerly Invitae), Labcorp
Classification: Uncertain significance for CHARGE syndrome. Last evaluated: 2023-08-23. Review status: criteria provided, single submitter. Criteria: Invitae Variant Classification Sherloc (09022015). Collection method: clinical testing. Allele origin: germline.
Comment: This variant has not been reported in the literature in individuals affected with CHD7-related conditions. The frequency data for this variant in the population databases is considered unreliable, as metrics indicate poor data quality at this position in the gnomAD database. In summary, the available evidence is currently insufficient to determine the role of this variant in disease. Therefore, it has been classified as a Variant of Uncertain Significance. Experimental studies and prediction algorithms are not available or were not evaluated, and the functional significance of this variant is currently unknown. This variant, c.8879_8881dup, results in the insertion of 1 amino acid(s) of the CHD7 protein (p.Glu2960_Ser2961insLys), but otherwise preserves the integrity of the reading frame.